The following is an entry in ClinVar:

NM_007327.4(GRIN1):c.1670C>G (p.Pro557Arg)

Gene: GRIN1 (glutamate ionotropic receptor NMDA type subunit 1; plus strand). Cytogenetic location: 9q34.3.
Variant type: single nucleotide variant.
Coding change: c.1670C>G on transcript NM_007327.4 (MANE Select); coding-DNA position 1670, C replaced by G.
Protein change: p.Pro557Arg; replaces proline 557 with arginine.
Molecular consequence: missense variant.
Genome position (GRCh38, 1-based): chr9:137,162,209, C>G. VCF-style: chr9-137162209-C-G. GRCh37 (hg19) VCF-style: chr9-140056661-C-G.
Other names: c.1670C>G, p.Pro557Arg (NM_000832.7, NM_021569.4); c.1733C>G, p.Pro578Arg (NM_001185090.2, NM_001185091.2); short protein forms P557R, P578R.
Identifiers: ClinVar variation 235846 (VCV000235846.4), dbSNP rs878853143, ClinGen allele CA10581457.

ClinVar aggregate classification (germline): Pathogenic/Likely pathogenic. Review status: criteria provided, multiple submitters, no conflicts (2 of 4 stars). 3 submissions from 3 submitters: Pathogenic (2); Likely pathogenic (1). Last evaluated 2024-10-07.

Conditions:
GRIN1-related disorder. Also called: GRIN1-related condition.
Intellectual disability. Also called: intellectual disabilities; Intellectual functioning disability; Intellectual developmental disorder. Identifiers: MedGen C3714756, MeSH D008607, MONDO:0001071, HP:0001249.

Submissions (3):

Blueprint Genetics
Classification: Likely pathogenic for GRIN1-related disorders. Last evaluated: 2024-10-07. Review status: criteria provided, single submitter. Criteria: ACMG Guidelines, 2015. Collection method: clinical testing. Allele origin: germline. Affected: yes. Observed: 1 variant allele.

GeneDx
Classification: Pathogenic. Last evaluated: 2023-05-25. Review status: criteria provided, single submitter. Criteria: GeneDx Variant Classification Process June 2021. Collection method: clinical testing. Allele origin: germline. Affected: yes.
Comment: Published functional studies demonstrate reduced current amplitudes and reduced protein expression when co-expressed with subunits of the N-methyl-D-aspartate receptor (Ogden et al., 2017); Not observed in large population cohorts (gnomAD); In silico analysis supports that this missense variant has a deleterious effect on protein structure/function; This variant is associated with the following publications: (PMID: 25167861, 28095420, 27164704)

Diagnostic Laboratory, Strasbourg University Hospital
Classification: Pathogenic for Intellectual disability. Last evaluated: 2014-07-25. Review status: criteria provided, single submitter. Criteria: submitter's publication. Collection method: clinical testing. Allele origin: de novo. Affected: yes. Observed: 1 variant allele, 1 heterozygote.